The following is an entry in ClinVar:

NM_020884.7(MYH7B):c.2363T>C (p.Leu788Pro)

Gene: MYH7B (myosin heavy chain 7B; plus strand). Cytogenetic location: 20q11.22.
Variant type: single nucleotide variant.
Coding change: c.2363T>C on transcript NM_020884.7 (MANE Select); coding-DNA position 2363, T replaced by C.
Protein change: p.Leu788Pro; replaces leucine 788 with proline.
Molecular consequence: missense variant.
Genome position (GRCh38, 1-based): chr20:34,993,389, T>C. VCF-style: chr20-34993389-T-C. GRCh37 (hg19) VCF-style: chr20-33581192-T-C.
Other names: short protein forms L788P.
Identifiers: ClinVar variation 2882482 (VCV002882482.3), dbSNP rs369986434, ClinGen allele CA9827345.

ClinVar aggregate classification (germline): Uncertain significance (1 of 4 stars; one submission).

Allele frequency attached by ClinVar (database versions not stated): ExAC 0.00003; gnomAD 0.00009; TOPMed 0.00010; gnomAD exomes 0.00011; ESP Exome Variant Server 0.00016.
gnomAD v4.1: 187 of 1,613,518 alleles (0.012%); highest among the groups gnomAD compares: Non-Finnish European, 0.014%; no homozygotes.

Submission:

Labcorp Genetics (formerly Invitae), Labcorp
Classification: Uncertain significance. Last evaluated: 2023-02-25. Review status: criteria provided, single submitter. Criteria: Invitae Variant Classification Sherloc (09022015). Collection method: clinical testing. Allele origin: germline.
Comment: This sequence change replaces leucine, which is neutral and non-polar, with proline, which is neutral and non-polar, at codon 830 of the MYH7B protein (p.Leu830Pro). This variant is present in population databases (rs369986434, gnomAD 0.008%). In summary, the available evidence is currently insufficient to determine the role of this variant in disease. Therefore, it has been classified as a Variant of Uncertain Significance. Advanced modeling of protein sequence and biophysical properties (such as structural, functional, and spatial information, amino acid conservation, physicochemical variation, residue mobility, and thermodynamic stability) performed at Invitae indicates that this missense variant is expected to disrupt MYH7B protein function. This variant has not been reported in the literature in individuals affected with MYH7B-related conditions.